The following is an entry in ClinVar:

NM_001042413.2(GLIS3):c.1337C>T (p.Ala446Val)

Gene: GLIS3 (GLIS family zinc finger 3; minus strand). Cytogenetic location: 9p24.2.
Variant type: single nucleotide variant.
Coding change: c.1337C>T on transcript NM_001042413.2 (MANE Select); coding-DNA position 1337, C replaced by T.
Protein change: p.Ala446Val; replaces alanine 446 with valine.
Molecular consequence: missense variant.
Genome position (GRCh38, 1-based): chr9:4,118,141, G>A on the plus strand (C>T on the coding strand, the complement: GLIS3 is on the minus strand). VCF-style: chr9-4118141-G-A. GRCh37 (hg19) VCF-style: chr9-4118141-G-A.
Other names: c.872C>T, p.Ala291Val (NM_152629.4); short protein forms A291V, A446V.
Identifiers: ClinVar variation 3597408 (VCV003597408.3).
Genomic context (GRCh38, chr9:4,118,141, plus strand): 5'-GCATGGGCATGGTAAGGGGGTGGGGGGCCTGGGGGCGGCGGCAGAGGAGGGAGCGGAGGC[G>A]CGGGGGGTAGGTCTACGGTGCTGCCCGGGAACTCCTCCAGGCGTTCGGTCTTGAACAGGC-3'
Protein context (NP_001035878.1, residues 436-456): FPGSTVDLPP[Ala446Val]PPLPPLPPPP

ClinVar aggregate classification (germline): Uncertain significance. Review status: criteria provided, multiple submitters, no conflicts (2 of 4 stars). 2 submissions from 2 submitters: Uncertain significance (2). Last evaluated 2024-04-24.

Conditions:
Neonatal diabetes mellitus with congenital hypothyroidism. Also called: NDH SYNDROME. Identifiers: Orphanet 79118, MedGen C1857775, MONDO:0012436, OMIM 610199.

gnomAD v4.1: 26 of 1,550,608 alleles (0.0017%); highest among the groups gnomAD compares: Non-Finnish European, 0.0021%; no homozygotes.

Submissions (2):

Fulgent Genetics
Classification: Uncertain significance for Neonatal diabetes mellitus with congenital hypothyroidism. Last evaluated: 2024-04-24. Review status: criteria provided, single submitter. Criteria: ACMG Guidelines, 2015. Collection method: clinical testing. Allele origin: germline.

Labcorp Genetics (formerly Invitae), Labcorp
Classification: Uncertain significance. Last evaluated: 2024-02-20. Review status: criteria provided, single submitter. Criteria: Invitae Variant Classification Sherloc (09022015). Collection method: clinical testing. Allele origin: germline.
Comment: This sequence change replaces alanine, which is neutral and non-polar, with valine, which is neutral and non-polar, at codon 291 of the GLIS3 protein (p.Ala291Val). The frequency data for this variant in the population databases is considered unreliable, as metrics indicate poor data quality at this position in the gnomAD database. This variant has not been reported in the literature in individuals affected with GLIS3-related conditions. Algorithms developed to predict the effect of missense changes on protein structure and function output the following: SIFT: "Not Available"; PolyPhen-2: "Possibly Damaging"; Align-GVGD: "Not Available". The valine amino acid residue is found in multiple mammalian species, which suggests that this missense change does not adversely affect protein function. In summary, the available evidence is currently insufficient to determine the role of this variant in disease. Therefore, it has been classified as a Variant of Uncertain Significance.